The following is an entry in ClinVar:

ClinVar aggregate classification (germline): Conflicting classifications of pathogenicity. Review status: criteria provided, conflicting classifications (1 of 4 stars). 6 submissions from 3 submitters: Uncertain significance (5); Likely benign (1). Last evaluated 2025-12-11.

Conditions:
Transitory neonatal diabetes mellitus. Also called: Transient neonatal diabetes mellitus. Identifiers: MedGen C0342273, MONDO:0020525, HP:0008255.
Maturity-onset diabetes of the young (MODY). Also called: Maturity onset diabetes mellitus in young. Identifiers: Orphanet 552, MedGen C0342276, MONDO:0018911, HP:0004904.
Permanent neonatal diabetes mellitus (PNDM). Identifiers: Orphanet 99885, MedGen C1833104, MONDO:0100164, MONDO:0011643. Disease mechanism: gain of function.
Hyperinsulinemic hypoglycemia, familial, 1 (HHF1). Also called: Persistent hyperinsulinemic hypoglycemia of infancy; HYPERINSULINISM, FAMILIAL, WITH PANCREATIC NESIDIOBLASTOSIS; HYPOGLYCEMIA, HYPERINSULINEMIC, OF INFANCY; NESIDIOBLASTOSIS OF PANCREAS; Persistent Hyperinsulinemia Hypoglycemia of Infancy. Identifiers: Orphanet 276575, Orphanet 276598, MedGen C2931832, MONDO:0009734, OMIM 256450.
Diabetes mellitus, transient neonatal, 2 (TNDM2). Identifiers: Orphanet 99886, MedGen C1835887, MONDO:0012480, OMIM 610374. Disease mechanism: loss of function.

Allele frequency attached by ClinVar (database versions not stated): gnomAD exomes below 0.00001; gnomAD 0.00001.
gnomAD v4.1: 1 of 1,614,114 alleles (0.000062%); highest among the groups gnomAD compares: Non-Finnish European, 0.000085%; no homozygotes.

Submissions (6):

Labcorp Genetics (formerly Invitae), Labcorp
Classification: Likely benign. Last evaluated: 2025-12-11. Review status: criteria provided, single submitter. Criteria: Invitae Variant Classification Sherloc (09022015). Collection method: clinical testing. Allele origin: germline.

Illumina Laboratory Services, Illumina
Classification: Uncertain significance for Diabetes mellitus, transient neonatal, 2. Last evaluated: 2018-01-12. Review status: criteria provided, single submitter. Criteria: ICSL Variant Classification Criteria 13 December 2019. Collection method: clinical testing. Allele origin: germline.

Illumina Laboratory Services, Illumina
Classification: Uncertain significance for Hyperinsulinemic hypoglycemia, familial, 1. Last evaluated: 2018-01-12. Review status: criteria provided, single submitter. Criteria: ICSL Variant Classification Criteria 13 December 2019. Collection method: clinical testing. Allele origin: germline.

Illumina Laboratory Services, Illumina
Classification: Uncertain significance for Permanent neonatal diabetes mellitus 1. Last evaluated: 2018-01-12. Review status: criteria provided, single submitter. Criteria: ICSL Variant Classification Criteria 13 December 2019. Collection method: clinical testing. Allele origin: germline.

Clinical Genomics, Uppaluri K&H Personalized Medicine Clinic
Classification: Uncertain significance for Maturity-onset diabetes of the young. Review status: criteria provided, single submitter. Criteria: K & H Uppaluri Personalized Medicine Clinic Variant Classification & Assertion Criteria_Updated V.1. Collection method: research. Allele origin: unknown. Inheritance: Somatic mutation.
Comment: Mutations in ABCC8 gene are associated with both neonatal diabetes mellitus as well as MODY. Patients with this mutation may have a better response to sulfonylureas. However, no sufficient evidence is found to ascertain the role of this particular variant ( rs886048051) in MODY yet.

Clinical Genomics, Uppaluri K&H Personalized Medicine Clinic
Classification: Uncertain significance for Transitory neonatal diabetes mellitus. Review status: criteria provided, single submitter. Criteria: K & H Uppaluri Personalized Medicine Clinic Variant Classification & Assertion Criteria_Updated V.1. Collection method: research. Allele origin: unknown. Inheritance: Somatic mutation.
Comment: Mutations in ABCC8 gene are associated with both neonatal diabetes mellitus as well as MODY. Patients with this mutation may have a better response to sulfonylureas. However, no sufficient evidence is found to ascertain the role of this particular variant (rs886048051) in neonatal diabetes yet.

Literature cited by the submitters: PubMed 16885549 (cited by Clinical Genomics, Uppaluri K&H Personalized Medicine Clinic); PubMed 21989597 (cited by Clinical Genomics, Uppaluri K&H Personalized Medicine Clinic); PubMed 27538677 (cited by Clinical Genomics, Uppaluri K&H Personalized Medicine Clinic); PubMed 18981553 (cited by Clinical Genomics, Uppaluri K&H Personalized Medicine Clinic); PubMed 32027066 (cited by Clinical Genomics, Uppaluri K&H Personalized Medicine Clinic); PubMed 16613899 (cited by Clinical Genomics, Uppaluri K&H Personalized Medicine Clinic); PubMed 18025408 (cited by Clinical Genomics, Uppaluri K&H Personalized Medicine Clinic); PubMed 32792356 (cited by Clinical Genomics, Uppaluri K&H Personalized Medicine Clinic).

NM_000352.6(ABCC8):c.2694+15G>A

Gene: ABCC8 (ATP binding cassette subfamily C member 8; minus strand). Cytogenetic location: 11p15.1.
Variant type: single nucleotide variant.
Coding change: c.2694+15G>A on transcript NM_000352.6 (MANE Select); 15 bases into the intron after coding-DNA position 2694, G replaced by A.
Molecular consequence: intron variant.
Genome position (GRCh38, 1-based): chr11:17,410,501, C>T on the plus strand (G>A on the coding strand, the complement: ABCC8 is on the minus strand). VCF-style: chr11-17410501-C-T. GRCh37 (hg19) VCF-style: chr11-17432048-C-T.
Other names: c.2691+15G>A (NM_001351297.2); c.2694+15G>A (NM_001351296.2); c.2760+15G>A (NM_001351295.2); c.2697+15G>A (NM_001287174.3).
Identifiers: ClinVar variation 303770 (VCV000303770.9), dbSNP rs886048051, ClinGen allele CA10637950.